The following is an entry in ClinVar:

NM_000245.4(MET):c.1790A>G (p.Asp597Gly)

Gene: MET (MET proto-oncogene, receptor tyrosine kinase; plus strand). Cytogenetic location: 7q31.2.
Variant type: single nucleotide variant.
Coding change: c.1790A>G on transcript NM_000245.4 (MANE Select); coding-DNA position 1790, A replaced by G.
Protein change: p.Asp597Gly; replaces aspartic acid 597 with glycine.
Molecular consequence: missense variant.
Genome position (GRCh38, 1-based): chr7:116,755,443, A>G. VCF-style: chr7-116755443-A-G. GRCh37 (hg19) VCF-style: chr7-116395497-A-G.
Other names: c.1790A>G, p.Asp597Gly (NM_001127500.3, NM_001324401.3); c.500A>G, p.Asp167Gly (NM_001324402.2); short protein forms D167G, D597G.
Identifiers: ClinVar variation 1780180 (VCV001780180.3), dbSNP rs2116910029, ClinGen allele CA368977932.

ClinVar aggregate classification (germline): Uncertain significance. Review status: criteria provided, multiple submitters, no conflicts (2 of 4 stars). 2 submissions from 2 submitters: Uncertain significance (2). Last evaluated 2025-10-15.

Conditions:
Hereditary cancer-predisposing syndrome. Also called: Neoplastic Syndromes, Hereditary; Tumor predisposition; Hereditary Cancer Syndrome; Hereditary neoplastic syndrome. Identifiers: Orphanet 140162, MedGen C0027672, MeSH D009386, MONDO:0015356.
Renal cell carcinoma. Identifiers: Orphanet 217071, MedGen C0007134, MeSH D002292, MONDO:0005086, HP:0005584.

Submissions (2):

Labcorp Genetics (formerly Invitae), Labcorp
Classification: Uncertain significance for Renal cell carcinoma. Last evaluated: 2025-10-15. Review status: criteria provided, single submitter. Criteria: Invitae Variant Classification Sherloc (09022015). Collection method: clinical testing. Allele origin: germline.
Comment: This sequence change replaces aspartic acid, which is acidic and polar, with glycine, which is neutral and non-polar, at codon 597 of the MET protein (p.Asp597Gly). This variant is not present in population databases (gnomAD no frequency). This variant has not been reported in the literature in individuals affected with MET-related conditions. ClinVar contains an entry for this variant (Variation ID: 1780180). Invitae Evidence Modeling of protein sequence and biophysical properties (such as structural, functional, and spatial information, amino acid conservation, physicochemical variation, residue mobility, and thermodynamic stability) indicates that this missense variant is not expected to disrupt MET protein function with a negative predictive value of 80%. In summary, the available evidence is currently insufficient to determine the role of this variant in disease. Therefore, it has been classified as a Variant of Uncertain Significance.

Ambry Genetics
Classification: Uncertain significance for Hereditary cancer-predisposing syndrome. Last evaluated: 2020-08-19. Review status: criteria provided, single submitter. Criteria: Ambry Variant Classification Scheme 2023. Collection method: clinical testing. Allele origin: germline.
Comment: The p.D597G variant (also known as c.1790A>G), located in coding exon 5 of the MET gene, results from an A to G substitution at nucleotide position 1790. The aspartic acid at codon 597 is replaced by glycine, an amino acid with similar properties. This amino acid position is well conserved in available vertebrate species. In addition, the in silico prediction for this alteration is inconclusive. Since supporting evidence is limited at this time, the clinical significance of this alteration remains unclear.